The following is an entry in ClinVar:

ClinVar aggregate classification (germline): Uncertain significance (1 of 4 stars; one submission).

Submission:

CeGaT Center for Human Genetics Tuebingen
Classification: Uncertain significance. Last evaluated: 2025-02-01. Review status: criteria provided, single submitter. Criteria: CeGaT Center For Human Genetics Tuebingen Variant Classification Criteria Version 2. Collection method: clinical testing. Allele origin: germline. Affected: yes. Observed: 1 variant allele.
Comment: PHACTR1: PM2

NM_030948.6(PHACTR1):c.1504C>T (p.Arg502Ter)

Genes: PHACTR1 (phosphatase and actin regulator 1; plus strand), TBC1D7-LOC100130357 (TBC1D7-LOC100130357 readthrough; minus strand), LOC100130357 (uncharacterized LOC100130357; minus strand), LOC129995804 (ATAC-STARR-seq lymphoblastoid active region 24022; plus strand). Cytogenetic location: 6p24.1.
Variant type: single nucleotide variant.
Coding change: c.1504C>T on transcript NM_030948.6 (MANE Select); coding-DNA position 1504, C replaced by T.
Protein change: p.Arg502Ter; replaces arginine 502 with a stop codon.
Molecular consequence: nonsense. On other transcripts: intron variant (1).
Genome position (GRCh38, 1-based): chr6:13,278,324, C>T. VCF-style: chr6-13278324-C-T. GRCh37 (hg19) VCF-style: chr6-13278556-C-T.
Other names: c.1504C>T, p.Arg502Ter (NM_001374581.2, NM_001242648.4, NM_001322308.3 and 1 more transcripts); c.1228C>T, p.Arg410Ter (NM_001374583.2, NM_001322311.2, NM_001322312.3); c.*40-10489G>A (NM_001318809.2); c.1711C>T, p.Arg571Ter (NM_001322310.2); c.1435C>T, p.Arg479Ter (NM_001322313.2); c.1714C>T, p.Arg572Ter (NM_001322314.4); short protein forms R410*, R479*, R502*, R571*, R572*.
Identifiers: ClinVar variation 3771464 (VCV003771464.13).
Genomic context (GRCh38, chr6:13,278,324, plus strand): 5'-TTAGCTCGGAATGAACAAGAGGAACAGGAGGAGAAGAGAGAGATCAAGAGGAGGCTAACC[C>T]GAAAGGTAGGTGGTTCTCCATGCCAAGAGCTGGGACAGGAGAGGGTGGGCTGCCTGCCAC-3'